The following is an entry in ClinVar:

ClinVar aggregate classification (germline): Uncertain significance (1 of 4 stars; one submission).

Allele frequency attached by ClinVar (database versions not stated): TOPMed 0.00004; ExAC 0.00005; gnomAD 0.00005; gnomAD exomes 0.00006; ESP Exome Variant Server 0.00015.

Submission:

Labcorp Genetics (formerly Invitae), Labcorp
Classification: Uncertain significance. Last evaluated: 2022-10-13. Review status: criteria provided, single submitter. Criteria: Invitae Variant Classification Sherloc (09022015). Collection method: clinical testing. Allele origin: germline.
Comment: This sequence change replaces lysine, which is basic and polar, with asparagine, which is neutral and polar, at codon 622 of the LAMA3 protein (p.Lys622Asn). This variant is present in population databases (rs367868989, gnomAD 0.01%). This variant has not been reported in the literature in individuals affected with LAMA3-related conditions. Algorithms developed to predict the effect of missense changes on protein structure and function are either unavailable or do not agree on the potential impact of this missense change (SIFT: "Deleterious"; PolyPhen-2: "Benign"; Align-GVGD: "Class C0"). Algorithms developed to predict the effect of sequence changes on RNA splicing suggest that this variant may disrupt the consensus splice site. In summary, the available evidence is currently insufficient to determine the role of this variant in disease. Therefore, it has been classified as a Variant of Uncertain Significance.

NM_198129.4(LAMA3):c.6693G>T (p.Lys2231Asn)

Gene: LAMA3 (laminin subunit alpha 3; plus strand). Cytogenetic location: 18q11.2.
Variant type: single nucleotide variant.
Coding change: c.6693G>T on transcript NM_198129.4 (MANE Select); coding-DNA position 6693, G replaced by T.
Protein change: p.Lys2231Asn; replaces lysine 2231 with asparagine.
Molecular consequence: missense variant.
Genome position (GRCh38, 1-based): chr18:23,905,599, G>T. VCF-style: chr18-23905599-G-T. GRCh37 (hg19) VCF-style: chr18-21485563-G-T.
Other names: c.1866G>T, p.Lys622Asn (NM_000227.6); c.6525G>T, p.Lys2175Asn (NM_001127717.4); c.1698G>T, p.Lys566Asn (NM_001127718.4); short protein forms K622N, K2175N, K2231N, K566N.
Identifiers: ClinVar variation 2084620 (VCV002084620.1), dbSNP rs367868989, ClinGen allele CA8916456.